The following is an entry in ClinVar:

ClinVar aggregate classification (germline): Conflicting classifications of pathogenicity. Review status: criteria provided, conflicting classifications (1 of 4 stars). 7 submissions from 6 submitters: Uncertain significance (3); Likely benign (3). 1 of the submissions does not count toward it. Last evaluated 2025-06-29.

Conditions:
Congenital multicore myopathy with external ophthalmoplegia (CMYO1B). Also called: MULTIMINICORE DISEASE WITH EXTERNAL OPHTHALMOPLEGIA; MULTICORE MYOPATHY; Congenital myopathy 1B, autosomal recessive; Minicore myopathy; Minicore myopathy with external ophthalmoplegia. Identifiers: Orphanet 598, Orphanet 98905, MedGen C1850674, MONDO:0009712, OMIM 255320, HP:0003789.
Malignant hyperthermia, susceptibility to, 1 (MHS1). Also called: Anesthesia related hyperthermia; Malignant hyperpyrexia; Fulminating hyperpyrexia; Pharmacogenic myopathy; RYR1-Related Malignant Hyperthermia Susceptibility; Malignant hyperthermia suceptibility 1. Identifiers: Orphanet 423, MedGen C2930980, MONDO:0007783, OMIM 145600.
RYR1-related disorder. Also called: RYR1-related disorders; RYR1-related condition. Identifiers: MedGen CN239331.

Allele frequency attached by ClinVar (database versions not stated): ExAC 0.00002; gnomAD exomes 0.00002; gnomAD 0.00004; TOPMed 0.00005.
gnomAD v4.1: 37 of 1,534,552 alleles (0.0024%); highest among the groups gnomAD compares: Non-Finnish European, 0.0028%; no homozygotes.

Submissions (7):

Labcorp Genetics (formerly Invitae), Labcorp
Classification: Likely benign for RYR1-related disorder. Last evaluated: 2025-06-29. Review status: criteria provided, single submitter. Criteria: Invitae Variant Classification Sherloc (09022015). Collection method: clinical testing. Allele origin: germline.

Women's Health and Genetics/Laboratory Corporation of America, LabCorp
Classification: Uncertain significance. Last evaluated: 2023-11-21. Review status: criteria provided, single submitter. Criteria: LabCorp Variant Classification Summary - May 2015. Collection method: clinical testing. Allele origin: germline.
Comment: Variant summary: RYR1 c.10458C>T (p.Ser3486Ser) alters a conserved nucleotide located close to a canonical splice site and therefore could affect mRNA splicing, leading to a significantly altered protein sequence. Consensus agreement among computation tools predict no significant impact on normal splicing. However, these predictions have yet to be confirmed by functional studies. The variant allele was found at a frequency of 1.6e-05 in 250464 control chromosomes. The available data on variant occurrences in the general population are insufficient to allow any conclusion about variant significance. To our knowledge, no occurrence of c.10458C>T in individuals affected with Myopathy, RYR1-Associated and no experimental evidence demonstrating its impact on protein function have been reported. Three submitters have cited clinical-significance assessments for this variant to ClinVar after 2014; two submitters classified it as a variant of uncertain significance, while one submitter classified it as likely benign. Based on the evidence outlined above, the variant was classified as uncertain significance.

Blueprint Genetics
Classification: Likely benign. Last evaluated: 2023-11-01. Review status: criteria provided, single submitter. Criteria: ACMG Guidelines, 2015. Collection method: clinical testing. Allele origin: germline.

Color Diagnostics, LLC DBA Color Health
Classification: Likely benign for Malignant hyperthermia, susceptibility to, 1. Last evaluated: 2022-11-06. Review status: criteria provided, single submitter. Criteria: ACMG Guidelines, 2015. Collection method: clinical testing. Allele origin: germline.

Illumina Laboratory Services, Illumina
Classification: Uncertain significance for Congenital multicore myopathy with external ophthalmoplegia. Last evaluated: 2018-01-12. Review status: criteria provided, single submitter. Criteria: ICSL Variant Classification Criteria 13 December 2019. Collection method: clinical testing. Allele origin: germline.

Illumina Laboratory Services, Illumina
Classification: Uncertain significance for Malignant hyperthermia, susceptibility to, 1. Last evaluated: 2018-01-12. Review status: criteria provided, single submitter. Criteria: ICSL Variant Classification Criteria 13 December 2019. Collection method: clinical testing. Allele origin: germline.

PreventionGenetics, part of Exact Sciences
Classification: Likely benign for RYR1-related condition. Last evaluated: 2023-02-16. Review status: no assertion criteria provided. Collection method: clinical testing. Allele origin: germline. Not counted in ClinVar's aggregate classification.
Comment: This variant is classified as likely benign based on ACMG/AMP sequence variant interpretation guidelines (Richards et al. 2015 PMID: 25741868, with internal and published modifications).

NM_000540.3(RYR1):c.10458C>T (p.Ser3486=)

Gene: RYR1 (ryanodine receptor 1; plus strand). Cytogenetic location: 19q13.2.
Variant type: single nucleotide variant.
Coding change: c.10458C>T on transcript NM_000540.3 (MANE Select); coding-DNA position 10458, C replaced by T.
Protein change: p.Ser3486=; no amino-acid change (serine 3486 retained).
Molecular consequence: synonymous variant.
Genome position (GRCh38, 1-based): chr19:38,525,334, C>T. VCF-style: chr19-38525334-C-T. GRCh37 (hg19) VCF-style: chr19-39015974-C-T.
Other names: c.10443C>T, p.Ser3481= (NM_001042723.2).
Identifiers: ClinVar variation 329100 (VCV000329100.21), dbSNP rs770132934, ClinGen allele CA053762.